The following is an entry in ClinVar:

ClinVar aggregate classification (germline): Uncertain significance (1 of 4 stars; one submission).

Conditions:
Cardiovascular phenotype. Identifiers: MedGen CN230736.

gnomAD v4.1: 2 of 1,614,108 alleles (0.00012%); highest among the groups gnomAD compares: Non-Finnish European, 0.000085%; no homozygotes.

Submission:

Ambry Genetics
Classification: Uncertain significance for Cardiovascular phenotype. Last evaluated: 2025-04-19. Review status: criteria provided, single submitter. Criteria: Ambry Variant Classification Scheme 2023. Collection method: clinical testing. Allele origin: germline.
Comment: The p.Y1990H variant (also known as c.5968T>C), located in coding exon 44 of the ABCA1 gene, results from a T to C substitution at nucleotide position 5968. The tyrosine at codon 1990 is replaced by histidine, an amino acid with similar properties. This amino acid position is conserved. In addition, this alteration is predicted to be deleterious by in silico analysis. Based on the available evidence, the clinical significance of this variant remains unclear.

NM_005502.4(ABCA1):c.5968T>C (p.Tyr1990His)

Genes: ABCA1 (ATP binding cassette subfamily A member 1; minus strand), NIPSNAP3B (nipsnap homolog 3B; plus strand). Cytogenetic location: 9q31.1.
Variant type: single nucleotide variant.
Coding change: c.5968T>C on transcript NM_005502.4 (MANE Select); coding-DNA position 5968, T replaced by C.
Protein change: p.Tyr1990His; replaces tyrosine 1990 with histidine.
Molecular consequence: missense variant.
Genome position (GRCh38, 1-based): chr9:104,788,527, A>G on the plus strand (T>C on the coding strand, the complement: ABCA1 is on the minus strand). VCF-style: chr9-104788527-A-G. GRCh37 (hg19) VCF-style: chr9-107550808-A-G.
Other names: short protein forms Y1990H.
Identifiers: ClinVar variation 3935374 (VCV003935374.1).